The following is an entry in ClinVar:

NM_032634.4(PIGO):c.3062G>C (p.Gly1021Ala)

Gene: PIGO (phosphatidylinositol glycan anchor biosynthesis class O; minus strand). Cytogenetic location: 9p13.3.
Variant type: single nucleotide variant.
Coding change: c.3062G>C on transcript NM_032634.4 (MANE Select); coding-DNA position 3062, G replaced by C.
Protein change: p.Gly1021Ala; replaces glycine 1021 with alanine.
Molecular consequence: missense variant.
Genome position (GRCh38, 1-based): chr9:35,090,073, C>G on the plus strand (G>C on the coding strand, the complement: PIGO is on the minus strand). VCF-style: chr9-35090073-C-G. GRCh37 (hg19) VCF-style: chr9-35090070-C-G.
Other names: c.1811G>C, p.Gly604Ala (NM_001201484.2, NM_152850.4); short protein forms G1021A, G604A.
Identifiers: ClinVar variation 450853 (VCV000450853.11), dbSNP rs139423183, ClinGen allele CA5040272.

ClinVar aggregate classification (germline): Uncertain significance. Review status: criteria provided, multiple submitters, no conflicts (2 of 4 stars). 3 submissions from 3 submitters: Uncertain significance (3). Last evaluated 2023-07-15.

Conditions:
Hyperphosphatasia with impaired intellectual development syndrome 2. Also called: GLYCOSYLPHOSPHATIDYLINOSITOL BIOSYNTHESIS DEFECT 6; Hyperphosphatasia with intellectual disability syndrome 2. Identifiers: Orphanet 247262, MedGen C3553637, MONDO:0013882, OMIM 614749.
Inborn genetic diseases. Identifiers: MedGen C0950123, MeSH D030342.

Allele frequency attached by ClinVar (database versions not stated): gnomAD 0.00001; gnomAD exomes 0.00001; TOPMed 0.00002; ESP Exome Variant Server 0.00015; ExAC 0.00002.
gnomAD v4.1: 22 of 1,613,186 alleles (0.0014%); highest among the groups gnomAD compares: Middle Eastern, 0.033%; no homozygotes.

Submissions (3):

Labcorp Genetics (formerly Invitae), Labcorp
Classification: Uncertain significance for Hyperphosphatasia with impaired intellectual development syndrome 2. Last evaluated: 2023-07-15. Review status: criteria provided, single submitter. Criteria: Invitae Variant Classification Sherloc (09022015). Collection method: clinical testing. Allele origin: germline.
Comment: In summary, the available evidence is currently insufficient to determine the role of this variant in disease. Therefore, it has been classified as a Variant of Uncertain Significance. Advanced modeling of protein sequence and biophysical properties (such as structural, functional, and spatial information, amino acid conservation, physicochemical variation, residue mobility, and thermodynamic stability) performed at Invitae indicates that this missense variant is not expected to disrupt PIGO protein function. ClinVar contains an entry for this variant (Variation ID: 450853). This variant has not been reported in the literature in individuals affected with PIGO-related conditions. This variant is present in population databases (rs139423183, gnomAD 0.007%). This sequence change replaces glycine, which is neutral and non-polar, with alanine, which is neutral and non-polar, at codon 1021 of the PIGO protein (p.Gly1021Ala).

Ambry Genetics
Classification: Uncertain significance for Inborn genetic diseases. Last evaluated: 2022-04-25. Review status: criteria provided, single submitter. Criteria: Ambry Variant Classification Scheme 2023. Collection method: clinical testing. Allele origin: germline.

GeneDx
Classification: Uncertain significance. Last evaluated: 2017-07-25. Review status: criteria provided, single submitter. Criteria: GeneDx Variant Classification (06012015). Collection method: clinical testing. Allele origin: germline. Affected: yes.
Comment: A variant of uncertain significance has been identified in the PIGO gene. The G1021A variant has not been published as a pathogenic variant, nor has it been reported as a benign variant to our knowledge. The G1021A variant is not observed at a significant frequency in large population cohorts (Lek et al., 2016; 1000 Genomes Consortium et al., 2015; Exome Variant Server). This substitution occurs at a position that is conserved across species and in silico analysis predicts this variant is probably damaging to the protein structure/function. However, the G1021A variant is a conservative amino acid substitution, which is not likely to impact secondary protein structure as these residues share similar properties. Therefore, based on the currently available information, it is unclear whether this variant is a pathogenic variant or a rare benign variant.